The following is an entry in ClinVar:

ClinVar aggregate classification (germline): Uncertain significance (1 of 4 stars; one submission).

Conditions:
Emery-Dreifuss muscular dystrophy 4, autosomal dominant (EDMD4). Also called: EMERY-DREIFUSS MUSCULAR DYSTROPHY 4 WITH VARIABLE FEATURES. Identifiers: Orphanet 261, MedGen C2751807, MONDO:0013071, OMIM 612998.
Autosomal recessive ataxia, Beauce type. Also called: SYNE1-Related Autosomal Recessive Cerebellar Ataxia; Spinocerebellar ataxia, autosomal recessive 8; ATAXIA, RECESSIVE, OF BEAUCE; SYNE1 Deficiency. Identifiers: Orphanet 88644, MedGen C1853116, MONDO:0012549, OMIM 610743.

Submission:

Labcorp Genetics (formerly Invitae), Labcorp
Classification: Uncertain significance for Emery-Dreifuss muscular dystrophy 4, autosomal dominant; Autosomal recessive ataxia, Beauce type. Last evaluated: 2024-03-11. Review status: criteria provided, single submitter. Criteria: Invitae Variant Classification Sherloc (09022015). Collection method: clinical testing. Allele origin: germline.
Comment: This sequence change replaces glutamine, which is neutral and polar, with proline, which is neutral and non-polar, at codon 999 of the SYNE1 protein (p.Gln999Pro). This variant is not present in population databases (gnomAD no frequency). This variant has not been reported in the literature in individuals affected with SYNE1-related conditions. ClinVar contains an entry for this variant (Variation ID: 575901). An algorithm developed to predict the effect of missense changes on protein structure and function (PolyPhen-2) suggests that this variant is likely to be tolerated. In summary, the available evidence is currently insufficient to determine the role of this variant in disease. Therefore, it has been classified as a Variant of Uncertain Significance.

NM_182961.4(SYNE1):c.2975A>C (p.Gln992Pro)

Gene: SYNE1 (spectrin repeat containing nuclear envelope protein 1; minus strand). Cytogenetic location: 6q25.2.
Variant type: single nucleotide variant.
Coding change: c.2975A>C on transcript NM_182961.4 (MANE Select); coding-DNA position 2975, A replaced by C.
Protein change: p.Gln992Pro; replaces glutamine 992 with proline.
Molecular consequence: missense variant.
Genome position (GRCh38, 1-based): chr6:152,453,638, T>G on the plus strand (A>C on the coding strand, the complement: SYNE1 is on the minus strand). VCF-style: chr6-152453638-T-G. GRCh37 (hg19) VCF-style: chr6-152774773-T-G.
Other names: c.2996A>C, p.Gln999Pro (NM_033071.5); short protein forms Q992P, Q999P.
Identifiers: ClinVar variation 575901 (VCV000575901.8), dbSNP rs1564137172, ClinGen allele CA366151201.
Genomic context (GRCh38, chr6:152,453,638, plus strand): 5'-TGACTCACCTTCCATTGTTTGTGGAGCTTTCGAACAGCTTCCTGCAGCCCCTGCTGCTCC[T>G]GCTCTGGAAGGATGTCGGTGAGTTCATCACAAGCTTTCAGGAAAGCATTGAGCACCCTCT-3'
Protein context (NP_892006.3, residues 982-1002): CDELTDILPE[Gln992Pro]EQQGLQEAVR